The following is an entry in ClinVar:

NM_138459.5(NUS1):c.200G>C (p.Arg67Pro)

Gene: NUS1 (NUS1 dehydrodolichyl diphosphate synthase subunit; plus strand). Cytogenetic location: 6q22.1.
Variant type: single nucleotide variant.
Coding change: c.200G>C on transcript NM_138459.5 (MANE Select); coding-DNA position 200, G replaced by C.
Protein change: p.Arg67Pro; replaces arginine 67 with proline.
Molecular consequence: missense variant.
Genome position (GRCh38, 1-based): chr6:117,675,870, G>C. VCF-style: chr6-117675870-G-C. GRCh37 (hg19) VCF-style: chr6-117997033-G-C.
Other names: short protein forms R67P.
Identifiers: ClinVar variation 1899881 (VCV001899881.5), dbSNP rs1198106267, ClinGen allele CA365536105.
Genomic context (GRCh38, chr6:117,675,870, plus strand): 5'-CGGTCCTAGCGCCGCTCGGCTTCACGCTCCGCAAGCCCCCGGCAGTCGGCAGGAACCGCC[G>C]TCACCACCGGCACCCGCGCGGGGGGTCGTGCCTGGCAGCCGCACACCACCGGATGCGCTG-3'
Protein context (NP_612468.1, residues 57-77): RKPPAVGRNR[Arg67Pro]HHRHPRGGSC

ClinVar aggregate classification (germline): Uncertain significance (1 of 4 stars; one submission).

Conditions:
Congenital disorder of glycosylation, type Iaa. Also called: Congenital disorder of glycosylation, type 1aa. Identifiers: MedGen C4310727, MONDO:0014904, OMIM 617082.

Allele frequency attached by ClinVar (database versions not stated): gnomAD exomes below 0.00001; TOPMed 0.00001; gnomAD 0.00002; 1000 Genomes Project 30x 0.00031.
gnomAD v4.1: 10 of 1,532,892 alleles (0.00065%); highest among the groups gnomAD compares: African/African-American, 0.0055%; no homozygotes.

Submission:

Labcorp Genetics (formerly Invitae), Labcorp
Classification: Uncertain significance for Congenital disorder of glycosylation, type Iaa. Last evaluated: 2025-04-01. Review status: criteria provided, single submitter. Criteria: Invitae Variant Classification Sherloc (09022015). Collection method: clinical testing. Allele origin: germline.
Comment: This sequence change replaces arginine, which is basic and polar, with proline, which is neutral and non-polar, at codon 67 of the NUS1 protein (p.Arg67Pro). This variant is present in population databases (no rsID available, gnomAD 0.03%). This variant has not been reported in the literature in individuals affected with NUS1-related conditions. ClinVar contains an entry for this variant (Variation ID: 1899881). An algorithm developed to predict the effect of missense changes on protein structure and function (PolyPhen-2) suggests that this variant is likely to be tolerated. In summary, the available evidence is currently insufficient to determine the role of this variant in disease. Therefore, it has been classified as a Variant of Uncertain Significance.